The following is an entry in ClinVar:

NM_000540.3(RYR1):c.14200G>A (p.Gly4734Arg)

Gene: RYR1 (ryanodine receptor 1; plus strand). Cytogenetic location: 19q13.2.
Variant type: single nucleotide variant.
Coding change: c.14200G>A on transcript NM_000540.3 (MANE Select); coding-DNA position 14200, G replaced by A.
Protein change: p.Gly4734Arg; replaces glycine 4734 with arginine.
Molecular consequence: missense variant.
Genome position (GRCh38, 1-based): chr19:38,577,945, G>A. VCF-style: chr19-38577945-G-A. GRCh37 (hg19) VCF-style: chr19-39068585-G-A.
Other names: c.14185G>A, p.Gly4729Arg (NM_001042723.2); short protein forms G4734R, G4729R.
Identifiers: ClinVar variation 590448 (VCV000590448.10), dbSNP rs1456212776, ClinGen allele CA405684294.

ClinVar aggregate classification (germline): Uncertain significance. Review status: criteria provided, multiple submitters, no conflicts (2 of 4 stars). 5 submissions from 5 submitters: Uncertain significance (5). Last evaluated 2024-03-05.

Conditions:
RYR1-related disorder. Also called: RYR1-related disorders; RYR1-related condition. Identifiers: MedGen CN239331.
Congenital multicore myopathy with external ophthalmoplegia (CMYO1B). Also called: MULTIMINICORE DISEASE WITH EXTERNAL OPHTHALMOPLEGIA; Congenital myopathy 1B, autosomal recessive; Minicore myopathy; Minicore myopathy with external ophthalmoplegia; MULTICORE MYOPATHY. Identifiers: Orphanet 598, Orphanet 98905, MedGen C1850674, MONDO:0009712, OMIM 255320, HP:0003789.
Congenital myopathy with fiber type disproportion. Also called: Congenital fiber-type disproportion myopathy; Congenital fiber-type disproportion. Identifiers: Orphanet 2020, MedGen C0546264, MONDO:0009711. Inheritance: all.
Malignant hyperthermia, susceptibility to, 1 (MHS1). Also called: Anesthesia related hyperthermia; Malignant hyperpyrexia; Fulminating hyperpyrexia; Pharmacogenic myopathy; RYR1-Related Malignant Hyperthermia Susceptibility; Malignant hyperthermia suceptibility 1. Identifiers: Orphanet 423, MedGen C2930980, MONDO:0007783, OMIM 145600.
Central core myopathy (CMYO1A). Also called: CONGENITAL MYOPATHY 1A, AUTOSOMAL DOMINANT, WITH SUSCEPTIBILITY TO MALIGNANT HYPERTHERMIA; Central core disease; Myopathy, central fibrillar. Identifiers: Orphanet 597, MedGen C5830701, MONDO:0007294, OMIM 117000.
King Denborough syndrome (KDS). Identifiers: MedGen C1840365, MONDO:0020485, OMIM 619542.

Allele frequency attached by ClinVar (database versions not stated): gnomAD exomes 0.00001.
gnomAD v4.1: 18 of 1,614,064 alleles (0.0011%); highest among the groups gnomAD compares: Non-Finnish European, 0.0014%; no homozygotes.

Submissions (5):

All of Us Research Program, National Institutes of Health
Classification: Uncertain significance for Malignant hyperthermia, susceptibility to, 1. Last evaluated: 2024-03-05. Review status: criteria provided, single submitter. Criteria: ACMG Guidelines, 2015. Collection method: clinical testing. Allele origin: germline. Inheritance: Autosomal dominant inheritance. Observed: 2 variant alleles, 2 heterozygotes.
Comment: This missense variant replaces glycine with arginine at codon 4734 of the RYR1 protein. Computational prediction suggests that this variant may have deleterious impact on protein structure and function (internally defined REVEL score threshold >= 0.7, PMID: 27666373). Although functional studies have not been reported for this variant, it occurs in the C-terminal region of the RYR1 protein (a.a. 4,631-4,991) that is considered to be a hotspot for pathogenic variants that may contribute to malignant hyperthermia susceptibility as well as other phenotype(s) (PMID: 21118704). This variant has not been reported in individuals affected with RYR1-related disorders in the literature. This variant has not been identified in the general population by the Genome Aggregation Database (gnomAD). Due to insufficient evidence, this variant is classified as a Variant of Uncertain Significance for autosomal dominant malignant hyperthermia.

This study involves interpretation of variants in research participants for the purpose of population health screening. Participant phenotype was not available at the time of variant classification. Additional details can be found in publication PMID: 35346344, PMCID: PMC8962531

Labcorp Genetics (formerly Invitae), Labcorp
Classification: Uncertain significance for RYR1-related disorder. Last evaluated: 2023-12-02. Review status: criteria provided, single submitter. Criteria: Invitae Variant Classification Sherloc (09022015). Collection method: clinical testing. Allele origin: germline.
Comment: This sequence change replaces glycine, which is neutral and non-polar, with arginine, which is basic and polar, at codon 4734 of the RYR1 protein (p.Gly4734Arg). This variant is not present in population databases (gnomAD no frequency). This variant has not been reported in the literature in individuals affected with RYR1-related conditions. ClinVar contains an entry for this variant (Variation ID: 590448). Advanced modeling of protein sequence and biophysical properties (such as structural, functional, and spatial information, amino acid conservation, physicochemical variation, residue mobility, and thermodynamic stability) performed at Invitae indicates that this missense variant is expected to disrupt RYR1 protein function with a positive predictive value of 95%. In summary, the available evidence is currently insufficient to determine the role of this variant in disease. Therefore, it has been classified as a Variant of Uncertain Significance.

Fulgent Genetics
Classification: Uncertain significance for Central core myopathy; Malignant hyperthermia, susceptibility to, 1; Congenital myopathy 4A, autosomal dominant; Congenital multicore myopathy with external ophthalmoplegia; King Denborough syndrome. Last evaluated: 2021-10-20. Review status: criteria provided, single submitter. Criteria: ACMG Guidelines, 2015. Collection method: clinical testing. Allele origin: unknown.

GeneDx
Classification: Uncertain significance. Last evaluated: 2020-11-18. Review status: criteria provided, single submitter. Criteria: GeneDx Variant Classification Process June 2021. Collection method: clinical testing. Allele origin: germline. Affected: yes.
Comment: Not observed in large population cohorts (Lek et al., 2016); In silico analysis, which includes protein predictors and evolutionary conservation, supports a deleterious effect; Has not been previously published as pathogenic or benign to our knowledge

PreventionGenetics, part of Exact Sciences
Classification: Uncertain significance. Last evaluated: 2017-01-11. Review status: criteria provided, single submitter. Criteria: ACMG Guidelines, 2015. Collection method: clinical testing. Allele origin: germline.

Literature cited by the submitters: PubMed 21118704 (cited by All of Us Research Program, National Institutes of Health).